The following is an entry in ClinVar:

ClinVar aggregate classification (germline): Uncertain significance. Review status: criteria provided, multiple submitters, no conflicts (2 of 4 stars). 3 submissions from 3 submitters: Uncertain significance (3). Last evaluated 2026-04-23.

Conditions:
Spondylodysplastic Ehlers-Danlos syndrome. Identifiers: Orphanet 536471, Orphanet 75496, MedGen C5680154, MONDO:0007526.

gnomAD v4.1: 38 of 1,613,836 alleles (0.0024%); highest among the groups gnomAD compares: Admixed American, 0.0083%; no homozygotes.

Submissions (3):

GeneDx
Classification: Uncertain significance. Last evaluated: 2026-04-23. Review status: criteria provided, single submitter. Criteria: GeneDx Variant Classification Process June 2021. Collection method: clinical testing. Allele origin: germline.
Comment: Not observed at significant frequency in large population cohorts (gnomAD); In silico analysis supports that this missense variant has a deleterious effect on protein structure/function; Has not been previously published as pathogenic or benign to our knowledge

Mayo Clinic Laboratories, Mayo Clinic
Classification: Uncertain significance. Last evaluated: 2025-09-25. Review status: criteria provided, single submitter. Criteria: ACMG Guidelines, 2015. Collection method: clinical testing. Allele origin: germline. Observed: 1 variant allele.
Comment: BP4, PM2_supporting

Labcorp Genetics (formerly Invitae), Labcorp
Classification: Uncertain significance for Spondylodysplastic Ehlers-Danlos syndrome. Last evaluated: 2022-09-06. Review status: criteria provided, single submitter. Criteria: Invitae Variant Classification Sherloc (09022015). Collection method: clinical testing. Allele origin: germline.
Comment: This sequence change replaces arginine, which is basic and polar, with cysteine, which is neutral and slightly polar, at codon 297 of the B4GALT7 protein (p.Arg297Cys). This variant is present in population databases (rs749289544, gnomAD 0.01%). This variant has not been reported in the literature in individuals affected with B4GALT7-related conditions. ClinVar contains an entry for this variant (Variation ID: 1523617). Algorithms developed to predict the effect of missense changes on protein structure and function are either unavailable or do not agree on the potential impact of this missense change (SIFT: "Tolerated"; PolyPhen-2: "Possibly Damaging"; Align-GVGD: "Class C0"). In summary, the available evidence is currently insufficient to determine the role of this variant in disease. Therefore, it has been classified as a Variant of Uncertain Significance.

NM_007255.3(B4GALT7):c.889C>T (p.Arg297Cys)

Gene: B4GALT7 (beta-1,4-galactosyltransferase 7; plus strand). Cytogenetic location: 5q35.3.
Variant type: single nucleotide variant.
Coding change: c.889C>T on transcript NM_007255.3 (MANE Select); coding-DNA position 889, C replaced by T.
Protein change: p.Arg297Cys; replaces arginine 297 with cysteine.
Molecular consequence: missense variant.
Genome position (GRCh38, 1-based): chr5:177,609,600, C>T. VCF-style: chr5-177609600-C-T. GRCh37 (hg19) VCF-style: chr5-177036601-C-T.
Other names: p.Arg297Cys; c.889C>T (NM_007255.2); short protein forms R297C.
Identifiers: ClinVar variation 1523617 (VCV001523617.8), dbSNP rs749289544, ClinGen allele CA3586731.